The following is an entry in ClinVar:

ClinVar aggregate classification (germline): Uncertain significance. Review status: criteria provided, multiple submitters, no conflicts (2 of 4 stars). 2 submissions from 2 submitters: Uncertain significance (2). Last evaluated 2025-02-21.

Conditions:
Primary ciliary dyskinesia. Also called: Ciliary dyskinesia. Identifiers: Orphanet 244, MedGen C0008780, MONDO:0016575, HP:0012265.

Allele frequency attached by ClinVar (database versions not stated): gnomAD exomes below 0.00001; TOPMed 0.00002; gnomAD 0.00004.
gnomAD v4.1: 8 of 1,609,334 alleles (0.0005%); highest among the groups gnomAD compares: African/African-American, 0.011%; no homozygotes.

Submissions (2):

Ambry Genetics
Classification: Uncertain significance for Primary ciliary dyskinesia. Last evaluated: 2025-02-21. Review status: criteria provided, single submitter. Criteria: Ambry Variant Classification Scheme 2023. Collection method: clinical testing. Allele origin: germline.

Labcorp Genetics (formerly Invitae), Labcorp
Classification: Uncertain significance for Primary ciliary dyskinesia. Last evaluated: 2022-04-16. Review status: criteria provided, single submitter. Criteria: Invitae Variant Classification Sherloc (09022015). Collection method: clinical testing. Allele origin: germline.
Comment: In summary, the available evidence is currently insufficient to determine the role of this variant in disease. Therefore, it has been classified as a Variant of Uncertain Significance. Algorithms developed to predict the effect of missense changes on protein structure and function (SIFT, PolyPhen-2, Align-GVGD) all suggest that this variant is likely to be tolerated. This variant has not been reported in the literature in individuals affected with DNAAF5-related conditions. This variant is not present in population databases (gnomAD no frequency). This sequence change replaces valine, which is neutral and non-polar, with methionine, which is neutral and non-polar, at codon 507 of the DNAAF5 protein (p.Val507Met).

NM_017802.4(DNAAF5):c.1519G>A (p.Val507Met)

Gene: DNAAF5 (dynein axonemal assembly factor 5; plus strand). Cytogenetic location: 7p22.3.
Variant type: single nucleotide variant.
Coding change: c.1519G>A on transcript NM_017802.4 (MANE Select); coding-DNA position 1519, G replaced by A.
Protein change: p.Val507Met; replaces valine 507 with methionine.
Molecular consequence: missense variant. On other transcripts: non-coding transcript variant (1).
Genome position (GRCh38, 1-based): chr7:761,801, G>A. VCF-style: chr7-761801-G-A. GRCh37 (hg19) VCF-style: chr7-801438-G-A.
Other names: c.1519G>A (NM_017802.3); short protein forms V507M.
Identifiers: ClinVar variation 2114587 (VCV002114587.5), dbSNP rs978376503, ClinGen allele CA152344868.